The following is an entry in ClinVar:

NM_001166108.2(PALLD):c.2812A>T (p.Thr938Ser)

Genes: CBR4 (carbonyl reductase 4; minus strand), PALLD (palladin, cytoskeletal associated protein; plus strand). Cytogenetic location: 4q32.3.
Variant type: single nucleotide variant.
Coding change: c.2812A>T on transcript NM_001166108.2 (MANE Select); coding-DNA position 2812, A replaced by T.
Protein change: p.Thr938Ser; replaces threonine 938 with serine.
Molecular consequence: missense variant.
Genome position (GRCh38, 1-based): chr4:168,915,989, A>T. VCF-style: chr4-168915989-A-T. GRCh37 (hg19) VCF-style: chr4-169837140-A-T.
Other names: c.1300A>T (NM_001166110.1); c.1615A>T, p.Thr539Ser (NM_001166109.2); c.1300A>T, p.Thr434Ser (NM_001166110.2); c.640A>T, p.Thr214Ser (NM_001367567.1, NM_001367569.1); c.691A>T, p.Thr231Ser (NM_001367568.1, NM_001367570.1); c.2761A>T, p.Thr921Ser (NM_016081.4); short protein forms T938S, T214S, T434S, T539S, T231S, T921S.
Identifiers: ClinVar variation 1040560 (VCV001040560.9), dbSNP rs1171944020, ClinGen allele CA358706868.
Genomic context (GRCh38, chr4:168,915,989, plus strand): 5'-AATGAACCAATTCAGGAGCGATTCTTCAGACCTCACTTCTTGCAGGCTCCTGGAGATCTG[A>T]CTGTTCAAGAAGGAAAACTCTGCAGAATGGACTGCAAAGTAAGATTTTGTTATTGCTTGC-3'
Protein context (NP_001159580.1, residues 928-948): PHFLQAPGDL[Thr938Ser]VQEGKLCRMD

ClinVar aggregate classification (germline): Uncertain significance. Review status: criteria provided, multiple submitters, no conflicts (2 of 4 stars). 2 submissions from 2 submitters: Uncertain significance (2). Last evaluated 2024-12-08.

Conditions:
Pancreatic adenocarcinoma. Identifiers: MedGen C0281361, MONDO:0006047, HP:0006725.

Allele frequency attached by ClinVar (database versions not stated): gnomAD exomes below 0.00001 and 0.00001.
gnomAD v4.1: 3 of 1,613,966 alleles (0.00019%); highest among the groups gnomAD compares: Middle Eastern, 0.016%; no homozygotes.

Submissions (2):

Ambry Genetics
Classification: Uncertain significance. Last evaluated: 2024-12-08. Review status: criteria provided, single submitter. Criteria: Ambry Variant Classification Scheme 2023. Collection method: clinical testing. Allele origin: germline.
Comment: The p.T434S variant (also known as c.1300A>T), located in coding exon 7 of the PALLD gene, results from an A to T substitution at nucleotide position 1300. The threonine at codon 434 is replaced by serine, an amino acid with similar properties. This amino acid position is conserved. In addition, this alteration is predicted to be tolerated by in silico analysis. Based on the available evidence, the clinical significance of this variant remains unclear.

Labcorp Genetics (formerly Invitae), Labcorp
Classification: Uncertain significance for Pancreatic adenocarcinoma. Last evaluated: 2021-05-08. Review status: criteria provided, single submitter. Criteria: Invitae Variant Classification Sherloc (09022015). Collection method: clinical testing. Allele origin: germline.
Comment: This sequence change replaces threonine with serine at codon 434 of the PALLD protein (p.Thr434Ser). The threonine residue is highly conserved and there is a small physicochemical difference between threonine and serine. This variant is not present in population databases (ExAC no frequency). This variant has not been reported in the literature in individuals with PALLD-related conditions. Algorithms developed to predict the effect of missense changes on protein structure and function (SIFT, PolyPhen-2, Align-GVGD) all suggest that this variant is likely to be disruptive, but these predictions have not been confirmed by published functional studies and their clinical significance is uncertain. In summary, the available evidence is currently insufficient to determine the role of this variant in disease. Therefore, it has been classified as a Variant of Uncertain Significance.